The following is an entry in ClinVar:

NM_016729.3(FOLR1):c.493+20G>A

Genes: FOLR1 (folate receptor alpha; plus strand), FOLR1-AS1 (FOLR1 antisense RNA 1; minus strand). Cytogenetic location: 11q13.4.
Variant type: single nucleotide variant.
Coding change: c.493+20G>A on transcript NM_016729.3 (MANE Select); 20 bases into the intron after coding-DNA position 493, G replaced by A.
Molecular consequence: intron variant.
Genome position (GRCh38, 1-based): chr11:72,195,767, G>A. VCF-style: chr11-72195767-G-A. GRCh37 (hg19) VCF-style: chr11-71906811-G-A.
Other names: c.493+20G>A (NM_016724.3, NM_016725.3, NM_000802.3).
Identifiers: ClinVar variation 510898 (VCV000510898.1), dbSNP rs1555069209, ClinGen allele CA658797706.

ClinVar aggregate classification (germline): Likely benign (1 of 4 stars; one submission).

Allele frequency attached by ClinVar (database versions not stated): TOPMed below 0.00001.

Submission:

GeneDx
Classification: Likely benign. Last evaluated: 2017-08-01. Review status: criteria provided, single submitter. Criteria: GeneDx Variant Classification (06012015). Collection method: clinical testing. Allele origin: germline. Affected: yes.
Comment: This variant is considered likely benign or benign based on one or more of the following criteria: it is a conservative change, it occurs at a poorly conserved position in the protein, it is predicted to be benign by multiple in silico algorithms, and/or has population frequency not consistent with disease.